The following is an entry in ClinVar:

NM_000059.4(BRCA2):c.4254A>G (p.Ile1418Met)

Gene: BRCA2 (BRCA2 DNA repair associated; plus strand). Cytogenetic location: 13q13.1.
Variant type: single nucleotide variant.
Coding change: c.4254A>G on transcript NM_000059.4 (MANE Select); coding-DNA position 4254, A replaced by G.
Protein change: p.Ile1418Met; replaces isoleucine 1418 with methionine.
Molecular consequence: missense variant.
Genome position (GRCh38, 1-based): chr13:32,338,609, A>G. VCF-style: chr13-32338609-A-G. GRCh37 (hg19) VCF-style: chr13-32912746-A-G.
Other names: short protein forms I1418M.
Identifiers: ClinVar variation 418703 (VCV000418703.11), dbSNP rs1064793378, ClinGen allele CA16619702.
Genomic context (GRCh38, chr13:32,338,609, plus strand): 5'-ATGTCATGGTAATACTTCAAATAAAGAACAGTTAACTGCTACTAAAACGGAGCAAAATAT[A>G]AAAGATTTTGAGACTTCTGATACATTTTTTCAGACTGCAAGTGGGAAAAATATTAGTGTC-3'
Protein context (NP_000050.3, residues 1408-1428): QLTATKTEQN[Ile1418Met]KDFETSDTFF

ClinVar aggregate classification (germline): Conflicting classifications of pathogenicity. Review status: criteria provided, conflicting classifications (1 of 4 stars). 4 submissions from 4 submitters: Uncertain significance (3); Likely benign (1). Last evaluated 2024-05-21.

Conditions:
Hereditary cancer-predisposing syndrome. Also called: Hereditary neoplastic syndrome; Tumor predisposition; Neoplastic Syndromes, Hereditary; Hereditary Cancer Syndrome. Identifiers: Orphanet 140162, MedGen C0027672, MeSH D009386, MONDO:0015356.
Hereditary breast ovarian cancer syndrome. Also called: Hereditary breast and ovarian cancer; Hereditary breast and/or ovarian cancer syndrome; Hereditary breast and ovarian cancer syndrome; Hereditary breast and ovarian cancer syndrome (HBOC); Breast and ovarian cancer; BRCA1- and BRCA2-Associated Hereditary Breast and Ovarian Cancer. Identifiers: Orphanet 145, MedGen C0677776, MeSH D061325, MONDO:0003582. Disease mechanism: loss of function.

Allele frequency attached by ClinVar (database versions not stated): gnomAD exomes below 0.00001.
gnomAD v4.1: 1 of 1,596,988 alleles (0.000063%); highest among the groups gnomAD compares: Middle Eastern, 0.017%; no homozygotes.

Submissions (4):

Labcorp Genetics (formerly Invitae), Labcorp
Classification: Uncertain significance for Hereditary breast ovarian cancer syndrome. Last evaluated: 2024-05-21. Review status: criteria provided, single submitter. Criteria: Invitae Variant Classification Sherloc (09022015). Collection method: clinical testing. Allele origin: germline.
Comment: This sequence change replaces isoleucine, which is neutral and non-polar, with methionine, which is neutral and non-polar, at codon 1418 of the BRCA2 protein (p.Ile1418Met). This variant is not present in population databases (gnomAD no frequency). This variant has not been reported in the literature in individuals affected with BRCA2-related conditions. ClinVar contains an entry for this variant (Variation ID: 418703). Advanced modeling of protein sequence and biophysical properties (such as structural, functional, and spatial information, amino acid conservation, physicochemical variation, residue mobility, and thermodynamic stability) performed at Invitae indicates that this missense variant is not expected to disrupt BRCA2 protein function with a negative predictive value of 95%. In summary, the available evidence is currently insufficient to determine the role of this variant in disease. Therefore, it has been classified as a Variant of Uncertain Significance.

University of Washington Department of Laboratory Medicine, University of Washington
Classification: Likely benign for Hereditary cancer-predisposing syndrome. Last evaluated: 2023-03-23. Review status: criteria provided, single submitter. Criteria: Dines et al. (Genet Med. 2020). Collection method: curation. Allele origin: germline.
Comment: Missense variant in a coldspot region where missense variants are very unlikely to be pathogenic (PMID:31911673).

BRCA2 exon 11 coldspot. Reclassification based on statistical prior probability.

Women's Health and Genetics/Laboratory Corporation of America, LabCorp
Classification: Uncertain significance. Last evaluated: 2021-05-19. Review status: criteria provided, single submitter. Criteria: LabCorp Variant Classification Summary - May 2015. Collection method: clinical testing. Allele origin: germline.
Comment: Variant summary: BRCA2 c.4254A>G (p.Ile1418Met) results in a conservative amino acid change in the encoded protein sequence. Five of five in-silico tools predict a benign effect of the variant on protein function. The variant was absent in 244050 control chromosomes (gnomAD). The available data on variant occurrences in the general population are insufficient to allow any conclusion about variant significance. To our knowledge, no occurrence of c.4254A>G in individuals affected with Hereditary Breast and Ovarian Cancer Syndrome and no experimental evidence demonstrating its impact on protein function have been reported. Co-occurrence with another pathogenic variant has been reported (MUTYH c.1187G>A, p.G396D),for this variant in our internal database. Two ClinVar submitters (evaluation after 2014) cite the variant as uncertain significance. Based on the evidence outlined above, the variant was classified as uncertain significance.

GeneDx
Classification: Uncertain significance. Last evaluated: 2015-03-16. Review status: criteria provided, single submitter. Criteria: GeneDx Variant Classification (06012015). Collection method: clinical testing. Allele origin: germline. Affected: yes.
Comment: This variant is denoted BRCA2 c.4254A>G at the cDNA level, p.Ile1418Met (I1418M) at the protein level, and results in the change of an Isoleucine to a Methionine (ATA>ATG). Using alternate nomenclature, this variant would be defined as BRCA2 4482A>G. This variant has not, to our knowledge, been published in the literature as pathogenic or benign. BRCA2 Ile1418Met was not observed in approximately 6,500 individuals of European and African American ancestry in the NHLBI Exome Sequencing Project, indicating it is not a common benign variant in these populations. Since Isoleucine and Methionine share similar properties, this is considered a conservative amino acid substitution. BRCA2 Ile1418Met occurs at a position that is not conserved across species and is located in the region required for interaction with POLH and stimulation of POLH DNA dimerization activity (UniProt). In silico analyses predict that this variant is unlikely to alter protein structure or function. Based on currently available information, it is unclear whether BRCA2 Ile1418Met is pathogenic or benign. We consider it to be a variant of uncertain significance.